The following is an entry in ClinVar:

ClinVar aggregate classification (germline): Uncertain significance (1 of 4 stars; one submission).

Conditions:
Tuberous sclerosis 1 (TSC1). Identifiers: Orphanet 805, MedGen C1854465, MONDO:0008612, OMIM 191100.

Submission:

Labcorp Genetics (formerly Invitae), Labcorp
Classification: Uncertain significance for Tuberous sclerosis 1. Last evaluated: 2022-03-11. Review status: criteria provided, single submitter. Criteria: Invitae Variant Classification Sherloc (09022015). Collection method: clinical testing. Allele origin: germline.
Comment: This sequence change falls in intron 11 of the TSC1 gene. It does not directly change the encoded amino acid sequence of the TSC1 protein. This variant is not present in population databases (gnomAD no frequency). This variant has not been reported in the literature in individuals affected with TSC1-related conditions. Algorithms developed to predict the effect of sequence changes on RNA splicing suggest that this variant may disrupt the consensus splice site. In summary, the available evidence is currently insufficient to determine the role of this variant in disease. Therefore, it has been classified as a Variant of Uncertain Significance.

NM_000368.5(TSC1):c.1142-10T>C

Gene: TSC1 (TSC complex subunit 1; minus strand). Cytogenetic location: 9q34.13.
Variant type: single nucleotide variant.
Coding change: c.1142-10T>C on transcript NM_000368.5 (MANE Select); 10 bases into the intron before coding-DNA position 1142, T replaced by C.
Molecular consequence: intron variant.
Genome position (GRCh38, 1-based): chr9:132,910,702, A>G on the plus strand (T>C on the coding strand, the complement: TSC1 is on the minus strand). VCF-style: chr9-132910702-A-G. GRCh37 (hg19) VCF-style: chr9-135786089-A-G.
Other names: c.989-10T>C (NM_001162427.2); c.1142-13T>C (NM_001162426.2); c.779-10T>C (NM_001362177.2).
Identifiers: ClinVar variation 2099629 (VCV002099629.4), dbSNP rs2131948557, ClinGen allele CA2580079989.